The following is an entry in ClinVar:

NM_012310.5(KIF4A):c.1548_1551delinsATCT (p.Leu517Ser)

Gene: KIF4A (kinesin family member 4A; plus strand). Cytogenetic location: Xq13.1.
Variant type: Indel.
Coding change: c.1548_1551delinsATCT on transcript NM_012310.5 (MANE Select); coding-DNA positions 1548 to 1551, TCTC replaced by ATCT.
Protein change: p.Leu517Ser; replaces leucine 517 with serine.
Molecular consequence: missense variant.
Genome position (GRCh38, 1-based): chrX:70,353,681-70,353,684, TCTC replaced by ATCT. VCF-style: chrX-70353681-TCTC-ATCT. GRCh37 (hg19) VCF-style: chrX-69573531-TCTC-ATCT.
Other names: short protein forms L517S.
Identifiers: ClinVar variation 2444825 (VCV002444825.1), dbSNP rs2519663565, ClinGen allele CA2580101302.
Genomic context (GRCh38, chrX:70,353,681, plus strand): 5'-GCAAGTAGAAACCAGTCCAGAGACGAGCAGGTCTTCTGACGCTTTTACCACTCAGCATGC[TCTC>ATCT]CGTCAAGCGCAGATGTCTAAGGAGCTGGTTGAGTTGAATAAAGCGCTTGCACTGAAAGAG-3'
Protein context (NP_036442.3, residues 507-527): SSDAFTTQHA[Leu517Ser]RQAQMSKELV

ClinVar aggregate classification (germline): Uncertain significance (1 of 4 stars; one submission).

Submission:

GeneDx
Classification: Uncertain significance. Last evaluated: 2022-09-19. Review status: criteria provided, single submitter. Criteria: GeneDx Variant Classification Process June 2021. Collection method: clinical testing. Allele origin: germline. Affected: yes.
Comment: Not observed at significant frequency in large population cohorts (gnomAD); In silico analysis supports a deleterious effect on protein structure/function; Has not been previously published as pathogenic or benign to our knowledge